The following is an entry in ClinVar:

ClinVar aggregate classification (germline): Benign/Likely benign. Review status: criteria provided, multiple submitters, no conflicts (2 of 4 stars). 6 submissions from 6 submitters: Benign (3); Likely benign (2). 1 of the submissions does not count toward it. Last evaluated 2026-01-25.

Conditions:
SLC35A1-related disorder. Also called: SLC35A1-related condition.
SLC35A1-congenital disorder of glycosylation. Also called: CONGENITAL DISORDER OF GLYCOSYLATION, TYPE IIf; CDG IIf; SLC35A1-CDG. Identifiers: Orphanet 238459, MedGen C1970344, MONDO:0011342, OMIM 603585.

Allele frequency attached by ClinVar (database versions not stated): gnomAD 0.00582 and 0.00612; 1000 Genomes Project 0.00699; gnomAD exomes 0.00144; ExAC 0.00186; ESP Exome Variant Server 0.00523; TOPMed 0.00670; 1000 Genomes Project 30x 0.00656.
gnomAD v4.1: 1,731 of 1,612,270 alleles (0.11%); highest among the groups gnomAD compares: African/African-American, 2%; 9 homozygotes.

Submissions (6):

Labcorp Genetics (formerly Invitae), Labcorp
Classification: Benign for SLC35A1-congenital disorder of glycosylation. Last evaluated: 2026-01-25. Review status: criteria provided, single submitter. Criteria: Invitae Variant Classification Sherloc (09022015). Collection method: clinical testing. Allele origin: germline.

Eurofins Ntd Llc (ga)
Classification: Benign. Last evaluated: 2017-02-06. Review status: criteria provided, single submitter. Criteria: EGL Classification Definitions 2015. Collection method: clinical testing. Allele origin: germline. Observed: 1 variant allele, 1 heterozygote.

Center for Pediatric Genomic Medicine, Children's Mercy Hospital and Clinics
Classification: Likely benign. Last evaluated: 2016-10-11. Review status: criteria provided, single submitter. Criteria: ACMG Guidelines, 2015. Collection method: clinical testing. Allele origin: germline.
ClinVar note: Converted during submission from Likely Benign to Likely benign.

GeneDx
Classification: Benign. Last evaluated: 2016-02-22. Review status: criteria provided, single submitter. Criteria: GeneDx Variant Classification (06012015). Collection method: clinical testing. Allele origin: germline. Affected: yes.
Comment: This variant is considered likely benign or benign based on one or more of the following criteria: it is a conservative change, it occurs at a poorly conserved position in the protein, it is predicted to be benign by multiple in silico algorithms, and/or has population frequency not consistent with disease.

Breakthrough Genomics
Classification: Likely benign. Review status: criteria provided, single submitter. Criteria: ACMG Guidelines, 2015. Collection method: not provided. Allele origin: germline. Inheritance: Autosomal recessive inheritance. Affected: yes.

PreventionGenetics, part of Exact Sciences
Classification: Benign for SLC35A1-related condition. Last evaluated: 2020-04-06. Review status: no assertion criteria provided. Collection method: clinical testing. Allele origin: germline. Not counted in ClinVar's aggregate classification.
Comment: This variant is classified as benign based on ACMG/AMP sequence variant interpretation guidelines (Richards et al. 2015 PMID: 25741868, with internal and published modifications).

NM_006416.5(SLC35A1):c.19A>C (p.Asn7His)

Gene: SLC35A1 (solute carrier family 35 member A1; plus strand). Cytogenetic location: 6q15.
Variant type: single nucleotide variant.
Coding change: c.19A>C on transcript NM_006416.5 (MANE Select); coding-DNA position 19, A replaced by C.
Protein change: p.Asn7His; replaces asparagine 7 with histidine.
Molecular consequence: missense variant.
Genome position (GRCh38, 1-based): chr6:87,477,364, A>C. VCF-style: chr6-87477364-A-C. GRCh37 (hg19) VCF-style: chr6-88187082-A-C.
Other names: c.19A>C, p.Asn7His (NM_001168398.2); short protein forms N7H.
Identifiers: ClinVar variation 95392 (VCV000095392.20), dbSNP rs114156788, ClinGen allele CA222947.